The following is an entry in ClinVar:

ClinVar aggregate classification (germline): Uncertain significance (1 of 4 stars; one submission).

Submission:

Ambry Genetics
Classification: Uncertain significance. Last evaluated: 2024-10-17. Review status: criteria provided, single submitter. Criteria: Ambry Variant Classification Scheme 2023. Collection method: clinical testing. Allele origin: germline.
Comment: The p.E2365K variant (also known as c.7093G>A), located in coding exon 25 of the POLQ gene, results from a G to A substitution at nucleotide position 7093. The glutamic acid at codon 2365 is replaced by lysine, an amino acid with similar properties. This amino acid position is conserved. In addition, the in silico prediction for this alteration is inconclusive. Based on the available evidence, the clinical significance of this variant remains unclear.

NM_199420.4(POLQ):c.7093G>A (p.Glu2365Lys)

Gene: POLQ (DNA polymerase theta; minus strand). Cytogenetic location: 3q13.33.
Variant type: single nucleotide variant.
Coding change: c.7093G>A on transcript NM_199420.4 (MANE Select); coding-DNA position 7093, G replaced by A.
Protein change: p.Glu2365Lys; replaces glutamic acid 2365 with lysine.
Molecular consequence: missense variant.
Genome position (GRCh38, 1-based): chr3:121,460,109, C>T on the plus strand (G>A on the coding strand, the complement: POLQ is on the minus strand). VCF-style: chr3-121460109-C-T. GRCh37 (hg19) VCF-style: chr3-121178956-C-T.
Other names: short protein forms E2365K.
Identifiers: ClinVar variation 3422602 (VCV003422602.1).